The following is an entry in ClinVar:

NM_005228.5(EGFR):c.1421C>A (p.Thr474Lys)

Gene: EGFR (epidermal growth factor receptor; plus strand). Cytogenetic location: 7p11.2.
Variant type: single nucleotide variant.
Coding change: c.1421C>A on transcript NM_005228.5 (MANE Select); coding-DNA position 1421, C replaced by A.
Protein change: p.Thr474Lys; replaces threonine 474 with lysine.
Molecular consequence: missense variant.
Genome position (GRCh38, 1-based): chr7:55,160,261, C>A. VCF-style: chr7-55160261-C-A. GRCh37 (hg19) VCF-style: chr7-55227954-C-A.
Other names: c.1286C>A, p.Thr429Lys (NM_001346897.2, NM_001346899.2); c.1421C>A, p.Thr474Lys (NM_001346898.2, NM_201282.2, NM_201284.2); c.1262C>A, p.Thr421Lys (NM_001346900.2); c.620C>A, p.Thr207Lys (NM_001346941.2); short protein forms T207K, T474K, T421K, T429K.
Identifiers: ClinVar variation 4247339 (VCV004247339.1).

ClinVar aggregate classification (germline): Uncertain significance (1 of 4 stars; one submission).

Conditions:
Hereditary cancer-predisposing syndrome. Also called: Hereditary Cancer Syndrome; Hereditary neoplastic syndrome; Neoplastic Syndromes, Hereditary; Tumor predisposition. Identifiers: Orphanet 140162, MedGen C0027672, MeSH D009386, MONDO:0015356.

Submission:

Ambry Genetics
Classification: Uncertain significance for Hereditary cancer-predisposing syndrome. Last evaluated: 2025-08-07. Review status: criteria provided, single submitter. Criteria: Ambry Variant Classification Scheme 2023. Collection method: clinical testing. Allele origin: germline.
Comment: The p.T474K variant (also known as c.1421C>A), located in coding exon 12 of the EGFR gene, results from a C to A substitution at nucleotide position 1421. The threonine at codon 474 is replaced by lysine, an amino acid with similar properties. This amino acid position is conserved. In addition, the in silico prediction for this alteration is inconclusive. Based on the available evidence, the clinical significance of this variant remains unclear.